The following is an entry in ClinVar:

NM_000138.5(FBN1):c.1177A>G (p.Met393Val)

Gene: FBN1 (fibrillin 1; minus strand). Cytogenetic location: 15q21.1.
Variant type: single nucleotide variant.
Coding change: c.1177A>G on transcript NM_000138.5 (MANE Select); coding-DNA position 1177, A replaced by G.
Protein change: p.Met393Val; replaces methionine 393 with valine.
Molecular consequence: missense variant.
Genome position (GRCh38, 1-based): chr15:48,516,333, T>C on the plus strand (A>G on the coding strand, the complement: FBN1 is on the minus strand). VCF-style: chr15-48516333-T-C. GRCh37 (hg19) VCF-style: chr15-48808530-T-C.
Other names: short protein forms M393V.
Identifiers: ClinVar variation 527179 (VCV000527179.15), dbSNP rs983129867, ClinGen allele CA269559834.
Genomic context (GRCh38, chr15:48,516,333, plus strand): 5'-GAACTGGAGGAATGGGGCCAAGGGGTGGGGGAGGATATTCTGGTCTCCCAGGAATTACCA[T>C]AGGAACAGAGCACAGCTTGTTGAAATCCTCTAGAAAAACACAACAAAACAAAACACAACA-3'
Protein context (NP_000129.3, residues 383-403): EDFNKLCSVP[Met393Val]VIPGRPEYPP

ClinVar aggregate classification (germline): Conflicting classifications of pathogenicity. Review status: criteria provided, conflicting classifications (1 of 4 stars). 5 submissions from 5 submitters: Uncertain significance (4); Likely benign (1). Last evaluated 2026-04-03.

Conditions:
Familial thoracic aortic aneurysm and aortic dissection (TAAD). Also called: Thoracic aortic aneurysms and dissections. Identifiers: Orphanet 91387, MedGen C4707243, MONDO:0019625.
Marfan syndrome (MFS). Also called: Marfan syndrome type 1; Marfan syndrome, classic; Marfan's syndrome; FBN1-Related Marfan Syndrome; MARFAN SYNDROME, TYPE I. Identifiers: Orphanet 284963, Orphanet 558, MedGen C0024796, MONDO:0007947, OMIM 154700.

Allele frequency attached by ClinVar (database versions not stated): gnomAD 0.00001; TOPMed 0.00001; gnomAD exomes 0.00002.
gnomAD v4.1: 33 of 1,613,728 alleles (0.002%); highest among the groups gnomAD compares: African/African-American, 0.0053%; no homozygotes.

Submissions (5):

Women's Health and Genetics/Laboratory Corporation of America, LabCorp
Classification: Uncertain significance. Last evaluated: 2026-04-03. Review status: criteria provided, single submitter. Criteria: LabCorp Variant Classification Summary - May 2015. Collection method: clinical testing. Allele origin: germline.
Comment: Variant summary: FBN1 c.1177A>G (p.Met393Val) results in a conservative amino acid change in the encoded protein sequence. Algorithms developed to predict the effect of missense changes on protein structure and function all suggest that this variant is likely to be tolerated. The variant allele was found at a frequency of 1.6e-05 in 250308 control chromosomes. The available data on variant occurrences in the general population are insufficient to allow any conclusion about variant significance. c.1177A>G has been observed in individuals with clinical features of FBN1-related conditions, including vascular abnormalities and individuals with a MASS (myopia, mitral valve prolapse, borderline aortic root enlargement, skin and skeletal findings) or atypical Marfan syndrome phenotype (Mattassi_2018, Mannucci_2020, Chen_2024, internal data) . These data do not allow any conclusion about variant significance. To our knowledge, no experimental evidence demonstrating an impact on protein function has been reported. The following publications have been ascertained in the context of this evaluation (PMID: 38728516, 31730815, 28655553). ClinVar contains an entry for this variant (Variation ID: 527179). Based on the evidence outlined above, the variant was classified as uncertain significance.

Color Diagnostics, LLC DBA Color Health
Classification: Uncertain significance for Familial thoracic aortic aneurysm and aortic dissection. Last evaluated: 2025-08-04. Review status: criteria provided, single submitter. Criteria: ACMG Guidelines, 2015. Collection method: clinical testing. Allele origin: germline.
Comment: This missense variant replaces methionine with valine at codon 393 of the FBN1 protein. Computational prediction suggests that this variant may not impact protein structure and function. To our knowledge, functional studies have not been reported for this variant. This variant has been reported in an individual affected with vascular anomalies (PMID: 28655553), in an individual presenting with myopia, mitral valve prolapse, borderline aortic root enlargement, skin and skeletal findings (PMID: 31730815), and in an individual with acute ischemic stroke (PMID: 3872851). This variant has been identified in 5/281696 chromosomes in the general population by the Genome Aggregation Database (gnomAD). The available evidence is insufficient to determine the role of this variant in disease conclusively. Therefore, this variant is classified as a Variant of Uncertain Significance.

Labcorp Genetics (formerly Invitae), Labcorp
Classification: Uncertain significance for Marfan syndrome; Familial thoracic aortic aneurysm and aortic dissection. Last evaluated: 2024-12-23. Review status: criteria provided, single submitter. Criteria: Invitae Variant Classification Sherloc (09022015). Collection method: clinical testing. Allele origin: germline.
Comment: This sequence change replaces methionine, which is neutral and non-polar, with valine, which is neutral and non-polar, at codon 393 of the FBN1 protein (p.Met393Val). This variant is present in population databases (no rsID available, gnomAD 0.005%). This missense change has been observed in individuals with clinical features of FBN1-related conditions (PMID: 28655553, 31730815; internal data). ClinVar contains an entry for this variant (Variation ID: 527179). Invitae Evidence Modeling of protein sequence and biophysical properties (such as structural, functional, and spatial information, amino acid conservation, physicochemical variation, residue mobility, and thermodynamic stability) indicates that this missense variant is not expected to disrupt FBN1 protein function with a negative predictive value of 95%. In summary, the available evidence is currently insufficient to determine the role of this variant in disease. Therefore, it has been classified as a Variant of Uncertain Significance.

Ambry Genetics
Classification: Likely benign for Familial thoracic aortic aneurysm and aortic dissection. Last evaluated: 2024-07-19. Review status: criteria provided, single submitter. Criteria: Ambry Variant Classification Scheme 2023. Collection method: clinical testing. Allele origin: germline.

All of Us Research Program, National Institutes of Health
Classification: Uncertain significance for Marfan syndrome. Last evaluated: 2023-12-13. Review status: criteria provided, single submitter. Criteria: ACMG Guidelines, 2015. Collection method: clinical testing. Allele origin: germline. Inheritance: Autosomal dominant inheritance. Observed: 5 variant alleles, 5 heterozygotes.
Comment: This missense variant replaces methionine with valine at codon 393 of the FBN1 protein. Computational prediction suggests that this variant may not impact protein structure and function (internally defined REVEL score threshold <= 0.5, PMID: 27666373). To our knowledge, functional studies have not been reported for this variant. This variant has been reported in an individual affected with Mendelian vascular anomalies (PMID: 28655553) and in an individual affected with Marfan syndrome-related disorder (PMID: 31730815). This variant has been identified in 5/281696 chromosomes in the general population by the Genome Aggregation Database (gnomAD). The available evidence is insufficient to determine the role of this variant in disease conclusively. Therefore, this variant is classified as a Variant of Uncertain Significance.

This study involves interpretation of variants in research participants for the purpose of population health screening. Participant phenotype was not available at the time of variant classification. Additional details can be found in publication PMID: 35346344, PMCID: PMC8962531

Literature cited by the submitters: PubMed 28655553 (cited by 5 submitters); PubMed 31730815 (cited by 4 submitters); PubMed 38728516 (cited by Women's Health and Genetics/Laboratory Corporation of America, LabCorp); PubMed 3872851 (cited by Color Diagnostics, LLC DBA Color Health).